The following is an entry in ClinVar:

NM_015450.3(POT1):c.1181A>G (p.Glu394Gly)

Gene: POT1 (protection of telomeres 1; minus strand). Cytogenetic location: 7q31.33.
Variant type: single nucleotide variant.
Coding change: c.1181A>G on transcript NM_015450.3 (MANE Select); coding-DNA position 1181, A replaced by G.
Protein change: p.Glu394Gly; replaces glutamic acid 394 with glycine.
Molecular consequence: missense variant. On other transcripts: non-coding transcript variant (3).
Genome position (GRCh38, 1-based): chr7:124,841,161, T>C on the plus strand (A>G on the coding strand, the complement: POT1 is on the minus strand). VCF-style: chr7-124841161-T-C. GRCh37 (hg19) VCF-style: chr7-124481215-T-C.
Other names: c.788A>G, p.Glu263Gly (NM_001042594.2); short protein forms E263G, E394G.
Identifiers: ClinVar variation 818512 (VCV000818512.13), dbSNP rs781625332, ClinGen allele CA4465193.

ClinVar aggregate classification (germline): Uncertain significance. Review status: criteria provided, multiple submitters, no conflicts (2 of 4 stars). 2 submissions from 2 submitters: Uncertain significance (2). Last evaluated 2025-06-27.

Conditions:
Tumor predisposition syndrome 3 (TPDS3). Also called: Glioma susceptibility 9; LONG TELOMERE SYNDROME, POT1-RELATED; POT1 Tumor Predisposition; Melanoma, cutaneous malignant, susceptibility to, 10. Identifiers: Orphanet 618, MedGen C4014476, MONDO:0014368, OMIM 615848.
Hereditary cancer-predisposing syndrome. Also called: Tumor predisposition; Hereditary Cancer Syndrome; Hereditary neoplastic syndrome; Neoplastic Syndromes, Hereditary. Identifiers: Orphanet 140162, MedGen C0027672, MeSH D009386, MONDO:0015356.

Allele frequency attached by ClinVar (database versions not stated): gnomAD exomes below 0.00001; ExAC 0.00001.

Submissions (2):

Ambry Genetics
Classification: Uncertain significance for Hereditary cancer-predisposing syndrome. Last evaluated: 2025-06-27. Review status: criteria provided, single submitter. Criteria: Ambry Variant Classification Scheme 2023. Collection method: clinical testing. Allele origin: germline.
Comment: The p.E394G variant (also known as c.1181A>G), located in coding exon 10 of the POT1 gene, results from an A to G substitution at nucleotide position 1181. The glutamic acid at codon 394 is replaced by glycine, an amino acid with similar properties. This amino acid position is not well conserved in available vertebrate species. In addition, this alteration is predicted to be tolerated by in silico analysis. Since supporting evidence is limited at this time, the clinical significance of this alteration remains unclear.

Labcorp Genetics (formerly Invitae), Labcorp
Classification: Uncertain significance for Tumor predisposition syndrome 3. Last evaluated: 2024-11-05. Review status: criteria provided, single submitter. Criteria: Invitae Variant Classification Sherloc (09022015). Collection method: clinical testing. Allele origin: germline.
Comment: This sequence change replaces glutamic acid, which is acidic and polar, with glycine, which is neutral and non-polar, at codon 394 of the POT1 protein (p.Glu394Gly). This variant is not present in population databases (gnomAD no frequency). This variant has not been reported in the literature in individuals affected with POT1-related conditions. ClinVar contains an entry for this variant (Variation ID: 818512). Invitae Evidence Modeling of protein sequence and biophysical properties (such as structural, functional, and spatial information, amino acid conservation, physicochemical variation, residue mobility, and thermodynamic stability) indicates that this missense variant is not expected to disrupt POT1 protein function with a negative predictive value of 80%. In summary, the available evidence is currently insufficient to determine the role of this variant in disease. Therefore, it has been classified as a Variant of Uncertain Significance.